The following is an entry in ClinVar:

ClinVar aggregate classification (germline): Uncertain significance (1 of 4 stars; one submission).

Conditions:
Coffin-Lowry syndrome (CLS). Also called: COFFIN-LOWRY SYNDROME, MILD; Mental retardation with osteocartilaginous abnormalities. Identifiers: Orphanet 192, MedGen C0265252, MONDO:0010561, OMIM 303600.
Intellectual developmental disorder, X-linked 19. Also called: Intellectual disability, X-linked 19. Identifiers: Orphanet 777, MedGen C0796225, MONDO:0010447, OMIM 300844.

Submission:

Juno Genomics, Hangzhou Juno Genomics, Inc
Classification: Uncertain significance for Coffin-Lowry syndrome; Intellectual developmental disorder, X-linked 19. Review status: criteria provided, single submitter. Criteria: ACMG Guidelines, 2015. Collection method: clinical testing. Allele origin: germline. Affected: yes.
Comment: Absent from controls (or at extremely low frequency if recessive) in Genome Aggregation Database, Exome Sequencing Project, 1000 Genomes Project, or Exome Aggregation Consortium.;Multiple lines of computational evidence support a deleterious effect on the gene or gene product (conservation, evolutionary, splicing impact, etc).;Co-segregation with disease in multiple affected family members in a gene definitively known to cause the disease.

NM_004586.3(RPS6KA3):c.2162T>G (p.Val721Gly)

Gene: RPS6KA3 (ribosomal protein S6 kinase A3; minus strand). Cytogenetic location: Xp22.12.
Variant type: single nucleotide variant.
Coding change: c.2162T>G on transcript NM_004586.3 (MANE Select); coding-DNA position 2162, T replaced by G.
Protein change: p.Val721Gly; replaces valine 721 with glycine.
Molecular consequence: missense variant.
Genome position (GRCh38, 1-based): chrX:20,155,459, A>C on the plus strand (T>G on the coding strand, the complement: RPS6KA3 is on the minus strand). VCF-style: chrX-20155459-A-C. GRCh37 (hg19) VCF-style: chrX-20173577-A-C.
Other names: short protein forms V721G.
Identifiers: ClinVar variation 3382821 (VCV003382821.2).
Genomic context (GRCh38, chrX:20,155,459, plus strand): 5'-CACAGGGCTGTTGAGGTGATTTTTTTAATACCTCTCCGCTGAGCAAGAGTAGAGCGGCCT[A>C]CTGGTTCCAAAACTGGTGACTGATTACGGTTCAAAGCAGAATATGTAGCTGCCATGGCAC-3'
Protein context (NP_004577.1, residues 711-731): NRNQSPVLEP[Val721Gly]GRSTLAQRRG